The following is an entry in ClinVar:

NM_001318895.3(FHL2):c.56A>T (p.Tyr19Phe)

Gene: FHL2 (four and a half LIM domains 2; minus strand). Cytogenetic location: 2q12.2.
Variant type: single nucleotide variant.
Coding change: c.56A>T on transcript NM_001318895.3 (MANE Select); coding-DNA position 56, A replaced by T.
Protein change: p.Tyr19Phe; replaces tyrosine 19 with phenylalanine.
Molecular consequence: missense variant. On other transcripts: 5 prime UTR variant (3).
Genome position (GRCh38, 1-based): chr2:105,386,461, T>A on the plus strand (A>T on the coding strand, the complement: FHL2 is on the minus strand). VCF-style: chr2-105386461-T-A. GRCh37 (hg19) VCF-style: chr2-106002918-T-A.
Other names: c.56A>T, p.Tyr19Phe (NM_001039492.3, NM_001318894.1, NM_001318896.2 and 4 more transcripts); c.-112A>T (NM_001318897.2, NM_001318898.2); c.-391A>T (NM_001318899.2); short protein forms Y19F.
Identifiers: ClinVar variation 2131546 (VCV002131546.4), dbSNP rs768464093, ClinGen allele CA1814878.

ClinVar aggregate classification (germline): Uncertain significance (1 of 4 stars; one submission).

Conditions:
Primary dilated cardiomyopathy (DCM). Also called: Dilated Cardiomyopathy. Identifiers: Orphanet 217604, MedGen C0007193, MeSH D002311, MONDO:0005021, HP:0001644. Inheritance: Various modes of inheritance.

Allele frequency attached by ClinVar (database versions not stated): ExAC 0.00002.
gnomAD v4.1: 1 of 1,614,234 alleles (0.000062%); highest among the groups gnomAD compares: East Asian, 0.0022%; no homozygotes.

Submission:

Labcorp Genetics (formerly Invitae), Labcorp
Classification: Uncertain significance for Primary dilated cardiomyopathy. Last evaluated: 2024-08-31. Review status: criteria provided, single submitter. Criteria: Invitae Variant Classification Sherloc (09022015). Collection method: clinical testing. Allele origin: germline.
Comment: This sequence change replaces tyrosine, which is neutral and polar, with phenylalanine, which is neutral and non-polar, at codon 19 of the FHL2 protein (p.Tyr19Phe). This variant is present in population databases (rs768464093, gnomAD 0.02%). This variant has not been reported in the literature in individuals affected with FHL2-related conditions. ClinVar contains an entry for this variant (Variation ID: 2131546). An algorithm developed to predict the effect of missense changes on protein structure and function (PolyPhen-2) suggests that this variant is likely to be disruptive. In summary, the available evidence is currently insufficient to determine the role of this variant in disease. Therefore, it has been classified as a Variant of Uncertain Significance.